The following is an entry in ClinVar:

NM_006005.3(WFS1):c.1695C>T (p.Leu565=)

Gene: WFS1 (wolframin ER transmembrane glycoprotein; plus strand). Cytogenetic location: 4p16.1.
Variant type: single nucleotide variant.
Coding change: c.1695C>T on transcript NM_006005.3 (MANE Select); coding-DNA position 1695, C replaced by T.
Protein change: p.Leu565=; no amino-acid change (leucine 565 retained).
Molecular consequence: synonymous variant.
Genome position (GRCh38, 1-based): chr4:6,301,490, C>T. VCF-style: chr4-6301490-C-T. GRCh37 (hg19) VCF-style: chr4-6303217-C-T.
Other names: c.1695C>T, p.Leu565= (NM_001145853.1).
Identifiers: ClinVar variation 772341 (VCV000772341.17), dbSNP rs755736687, ClinGen allele CA2839450.

ClinVar aggregate classification (germline): Conflicting classifications of pathogenicity. Review status: criteria provided, conflicting classifications (1 of 4 stars). 4 submissions from 4 submitters: Uncertain significance (1); Benign (1); Likely benign (2). Last evaluated 2026-07-28.

Conditions:
Wolfram syndrome 1 (WFS1). Identifiers: Orphanet 3463, MedGen C4551693, MONDO:0009101, OMIM 222300.

Allele frequency attached by ClinVar (database versions not stated): TOPMed 0.00006; gnomAD exomes 0.00011; ExAC 0.00014; gnomAD 0.00019.
gnomAD v4.1: 202 of 1,613,124 alleles (0.013%); highest among the groups gnomAD compares: Middle Eastern, 0.016%; no homozygotes.

Submissions (4):

GeneDx
Classification: Uncertain significance. Last evaluated: 2026-07-28. Review status: criteria provided, single submitter. Criteria: GeneDx Variant Classification Process June 2021. Collection method: clinical testing. Allele origin: germline.
Comment: In silico analysis suggests that this variant does not alter splicing; Has not been previously published as pathogenic or benign to our knowledge

Labcorp Genetics (formerly Invitae), Labcorp
Classification: Likely benign. Last evaluated: 2025-12-01. Review status: criteria provided, single submitter. Criteria: Invitae Variant Classification Sherloc (09022015). Collection method: clinical testing. Allele origin: germline.

Blueprint Genetics
Classification: Likely benign. Last evaluated: 2024-08-26. Review status: criteria provided, single submitter. Criteria: ACMG Guidelines, 2015. Collection method: clinical testing. Allele origin: germline.

Clinical Genomics, Uppaluri K&H Personalized Medicine Clinic
Classification: Benign for Wolfram syndrome 1. Review status: criteria provided, single submitter. Criteria: K & H Uppaluri Personalized Medicine Clinic Variant Classification & Assertion Criteria_Updated V.1. Collection method: research. Allele origin: unknown. Inheritance: Autosomal recessive inheritance.
Comment: Potent mutations in WFS1 gene are associated with Wolfram's syndrome, an autosomal recessive condition, which cause diabetes mellitus, diabetes insipidus, deafness and optic atrophy. However no sufficient evidence is found to ascertain the role of this particular variant rs755736687 in Wolfram's syndrome yet.

Literature cited by the submitters: PubMed 20738327 (cited by Clinical Genomics, Uppaluri K&H Personalized Medicine Clinic); PubMed 33879153 (cited by Clinical Genomics, Uppaluri K&H Personalized Medicine Clinic); PubMed 12955714 (cited by Clinical Genomics, Uppaluri K&H Personalized Medicine Clinic); PubMed 18060660 (cited by Clinical Genomics, Uppaluri K&H Personalized Medicine Clinic); PubMed 20301750 (cited by Clinical Genomics, Uppaluri K&H Personalized Medicine Clinic); PubMed 17603484 (cited by Clinical Genomics, Uppaluri K&H Personalized Medicine Clinic).